The following is an entry in ClinVar:

NM_019023.5(PRMT7):c.129_132del (p.Asp43fs)

Gene: PRMT7 (protein arginine methyltransferase 7; plus strand). Cytogenetic location: 16q22.1.
Variant type: Deletion.
Coding change: c.129_132del on transcript NM_019023.5 (MANE Select); coding-DNA positions 129 to 132, 4 bases deleted (CAGA; older notation c.129_132delCAGA).
Protein change: p.Asp43fs; shifts the reading frame from aspartic acid 43.
Molecular consequence: frameshift variant. On other transcripts: non-coding transcript variant (8), intron variant (4).
Genome position (GRCh38, 1-based): chr16:68,321,459-68,321,462, CAGA deleted; deleting any 4 consecutive bases within chr16:68,321,456-68,321,462 gives the same sequence; the c. name uses the placement nearest the transcript's 3' end. VCF-style (leftmost placement, unchanged base first): chr16-68321455-AAGAC-A. GRCh37 (hg19) VCF-style: chr16-68355358-AAGAC-A.
Other names: c.129_132del, p.Asp43fs (NM_001184824.4, NM_001290018.2, NM_001351143.3 and 2 more transcripts); c.-105-3224_-105-3221del (NM_001378022.1, NM_001378021.1, NM_001378023.1); c.35-3224_35-3221del (NM_001378020.1); short protein forms D43fs.
Identifiers: ClinVar variation 4855243 (VCV004855243.1).

ClinVar aggregate classification (germline): Pathogenic (1 of 4 stars; one submission).

Conditions:
Short stature-brachydactyly-obesity-global developmental delay syndrome. Also called: Short stature, brachydactyly, intellectual developmental disability, and seizures; SHORT STATURE, BRACHYDACTYLY, IMPAIRED INTELLECTUAL DEVELOPMENT, AND SEIZURES. Identifiers: Orphanet 464288, MedGen C4310689, MONDO:0014944, OMIM 617157.

Submission:

3billion
Classification: Pathogenic for Short stature-brachydactyly-obesity-global developmental delay syndrome. Last evaluated: 2025-10-10. Review status: criteria provided, single submitter. Criteria: ACMG Guidelines, 2015. Collection method: clinical testing. Allele origin: germline. Affected: yes.
Comment: The variant is observed at an extremely low frequency in the gnomAD v4.1.0 dataset (total allele frequency: <0.001%). Predicted Consequence/Location: Frameshift: predicted to result in a loss or disruption of normal protein function through nonsense-mediated decay (NMD) or protein truncation. Multiple pathogenic variants are reported downstream of the variant. Therefore, this variant is classified as Pathogenic according to the recommendation of ACMG/AMP guideline.